The following is an entry in ClinVar:

NM_004370.6(COL12A1):c.3205del (p.Tyr1069fs)

Gene: COL12A1 (collagen type XII alpha 1 chain; minus strand). Cytogenetic location: 6q13.
Variant type: Deletion.
Coding change: c.3205del on transcript NM_004370.6 (MANE Select); coding-DNA position 3205, one base deleted (T; older notation c.3205delT).
Protein change: p.Tyr1069fs; shifts the reading frame from tyrosine 1069.
Molecular consequence: frameshift variant. On other transcripts: intron variant (2).
Genome position (GRCh38, 1-based): chr6:75,156,302, A deleted on the plus strand (T on the coding strand, the reverse complement: COL12A1 is on the minus strand); the first of 3 consecutive A bases (chr6:75,156,302-75,156,304); deleting any one gives the same sequence. VCF-style (leftmost placement, unchanged base first): chr6-75156301-TA-T. GRCh37 (hg19) VCF-style: chr6-75866017-TA-T.
Other names: c.3205del, p.Tyr1069fs (NM_001424113.1, NM_001424114.1); c.2932del, p.Tyr978fs (NM_001424115.1); c.74-3820del (NM_001424116.1, NM_080645.3); short protein forms Y1069fs, Y978fs.
Identifiers: ClinVar variation 3777051 (VCV003777051.1).
Genomic context (GRCh38, chr6:75,156,301, plus strand): 5'-AATTATTATTTCATACCTGTTGTTCCTGATCCTTGCCTAAGCTTTCCTTCTCCCATCTTG[TA>T]AATAGGAAGAACTGTGATGTCATATGTGGTCTGTGGCTGAAGTCGCTTTAACACTGTCGA-3'

ClinVar aggregate classification (germline): Likely pathogenic (1 of 4 stars; one submission).

Conditions:
Bethlem myopathy 2 (BTHLM2). Identifiers: Orphanet 536516, Orphanet 610, MedGen C4225313, MONDO:0034022, OMIM 616471.

Submission:

Clinical Genomics, G42 Labs
Classification: Likely pathogenic for Bethlem myopathy 2. Last evaluated: 2025-02-26. Review status: criteria provided, single submitter. Criteria: ACMG Guidelines, 2015. Collection method: clinical testing. Allele origin: germline. Inheritance: Autosomal dominant inheritance. Affected: yes. Observed: 1 variant allele.
Comment: The c.3205del, p.(Tyr1069ThrfsTer37) is a frameshift variant in the COL12A1 gene, thereby leading to premature truncation of the protein at 37 amino acids downstream to codon 1069. Loss of function is a known mechanism of disease in the COL12A1 gene (PMID: 24334604).The variant is absent from controls in GnomAD population. This variant is not reported in literature. Based on the above reasons, this variant is classified as Likely Pathogenic. ACMG Criteria: PVS1, PM2 - Likley pathogenic.

Literature cited by the submitters: PubMed 24334604.